The following is an entry in ClinVar:

NM_032578.4(MYPN):c.1593C>T (p.His531=)

Gene: MYPN (myopalladin; plus strand). Cytogenetic location: 10q21.3.
Variant type: single nucleotide variant.
Coding change: c.1593C>T on transcript NM_032578.4 (MANE Select); coding-DNA position 1593, C replaced by T.
Protein change: p.His531=; no amino-acid change (histidine 531 retained).
Molecular consequence: synonymous variant. On other transcripts: non-coding transcript variant (2).
Genome position (GRCh38, 1-based): chr10:68,165,811, C>T. VCF-style: chr10-68165811-C-T. GRCh37 (hg19) VCF-style: chr10-69925568-C-T.
Other names: c.1593C>T, p.His531= (NM_001256267.2); c.711C>T, p.His237= (NM_001256268.2).
Identifiers: ClinVar variation 522235 (VCV000522235.17), dbSNP rs138354021, ClinGen allele CA5522613.

ClinVar aggregate classification (germline): Likely benign. Review status: criteria provided, multiple submitters, no conflicts (2 of 4 stars). 5 submissions from 5 submitters: Likely benign (4). 1 of the submissions does not count toward it. Last evaluated 2025-09-17.

Conditions:
Dilated cardiomyopathy 1KK (CMD1KK). Identifiers: Orphanet 154, Orphanet 75249, MedGen C3714995, MONDO:0014100, OMIM 615248.
MYPN-related disorder. Also called: MYPN-related condition.
Cardiovascular phenotype. Identifiers: MedGen CN230736.

Allele frequency attached by ClinVar (database versions not stated): ExAC 0.00002; gnomAD 0.00002 and 0.00003; gnomAD exomes 0.00002 and 0.00006; TOPMed 0.00002; ESP Exome Variant Server 0.00008.
gnomAD v4.1: 84 of 1,612,842 alleles (0.0052%); highest among the groups gnomAD compares: Non-Finnish European, 0.0066%; no homozygotes.

Submissions (5):

Labcorp Genetics (formerly Invitae), Labcorp
Classification: Likely benign for Dilated cardiomyopathy 1KK. Last evaluated: 2025-09-17. Review status: criteria provided, single submitter. Criteria: Invitae Variant Classification Sherloc (09022015). Collection method: clinical testing. Allele origin: germline.

PreventionGenetics, part of Exact Sciences
Classification: Likely benign for MYPN-related condition. Last evaluated: 2025-09-17. Review status: criteria provided, single submitter. Criteria: ACMG Guidelines, 2015. Collection method: clinical testing. Allele origin: germline.
Comment: This variant is classified as likely benign based on ACMG/AMP sequence variant interpretation guidelines (Richards et al. 2015 PMID: 25741868, with internal and published modifications).

Ambry Genetics
Classification: Likely benign for Cardiovascular phenotype. Last evaluated: 2022-05-15. Review status: criteria provided, single submitter. Criteria: Ambry Variant Classification Scheme 2023. Collection method: clinical testing. Allele origin: germline.

Genome Diagnostics Laboratory, University Medical Center Utrecht
Classification: Likely benign for Dilated cardiomyopathy 1KK. Last evaluated: 2017-07-11. Review status: criteria provided, single submitter. Criteria: ACGS Guidelines, 2013. Collection method: clinical testing. Allele origin: germline. Affected: yes. Study: VKGL Data-share Consensus.

Clinical Genetics, Academic Medical Center
Classification: Benign. Review status: no assertion criteria provided. Collection method: clinical testing. Allele origin: germline. Affected: yes. Study: VKGL Data-share Consensus. Not counted in ClinVar's aggregate classification.